The following is an entry in ClinVar:

ClinVar aggregate classification (germline): Uncertain significance. Review status: criteria provided, multiple submitters, no conflicts (2 of 4 stars). 2 submissions from 2 submitters: Uncertain significance (2). Last evaluated 2026-01-26.

Conditions:
Glycogen storage disease due to muscle and heart glycogen synthase deficiency. Also called: GSD 0b; MUSCLE GLYCOGEN SYNTHASE DEFICIENCY. Identifiers: Orphanet 137625, MedGen C1969054, MONDO:0012693, OMIM 611556.

Allele frequency attached by ClinVar (database versions not stated): gnomAD exomes 0.00001; ExAC 0.00002; gnomAD 0.00002; TOPMed 0.00005; ESP Exome Variant Server 0.00008.
gnomAD v4.1: 19 of 1,613,760 alleles (0.0012%); highest among the groups gnomAD compares: African/African-American, 0.004%; no homozygotes.

Submissions (2):

GeneDx
Classification: Uncertain significance. Last evaluated: 2026-01-26. Review status: criteria provided, single submitter. Criteria: GeneDx Variant Classification Process June 2021. Collection method: clinical testing. Allele origin: germline.
Comment: Not observed at significant frequency in large population cohorts (gnomAD); In silico analysis supports that this missense variant has a deleterious effect on protein structure/function; Has not been previously published as pathogenic or benign to our knowledge

Labcorp Genetics (formerly Invitae), Labcorp
Classification: Uncertain significance for Glycogen storage disease due to muscle and heart glycogen synthase deficiency. Last evaluated: 2022-05-06. Review status: criteria provided, single submitter. Criteria: Invitae Variant Classification Sherloc (09022015). Collection method: clinical testing. Allele origin: germline.
Comment: In summary, the available evidence is currently insufficient to determine the role of this variant in disease. Therefore, it has been classified as a Variant of Uncertain Significance. Algorithms developed to predict the effect of missense changes on protein structure and function (SIFT, PolyPhen-2, Align-GVGD) all suggest that this variant is likely to be disruptive. This variant has not been reported in the literature in individuals affected with GYS1-related conditions. This variant is present in population databases (rs374401394, gnomAD 0.01%). This sequence change replaces asparagine, which is neutral and polar, with serine, which is neutral and polar, at codon 530 of the GYS1 protein (p.Asn530Ser).

NM_002103.5(GYS1):c.1589A>G (p.Asn530Ser)

Genes: GYS1 (glycogen synthase 1; minus strand), LOC119369037 (CRISPRi-FlowFISH-validated FTL regulatory element 4; plus strand). Cytogenetic location: 19q13.33.
Variant type: single nucleotide variant.
Coding change: c.1589A>G on transcript NM_002103.5 (MANE Select); coding-DNA position 1589, A replaced by G.
Protein change: p.Asn530Ser; replaces asparagine 530 with serine.
Molecular consequence: missense variant. On other transcripts: non-coding transcript variant (1).
Genome position (GRCh38, 1-based): chr19:48,970,984, T>C on the plus strand (A>G on the coding strand, the complement: GYS1 is on the minus strand). VCF-style: chr19-48970984-T-C. GRCh37 (hg19) VCF-style: chr19-49474241-T-C.
Other names: c.1397A>G, p.Asn466Ser (NM_001161587.2); c.1589A>G (NM_002103.4); short protein forms N466S, N530S.
Identifiers: ClinVar variation 2080610 (VCV002080610.5), dbSNP rs374401394, ClinGen allele CA9562896.